The following is an entry in ClinVar:

ClinVar aggregate classification (germline): Uncertain significance. Review status: criteria provided, multiple submitters, no conflicts (2 of 4 stars). 4 submissions from 4 submitters: Uncertain significance (4). Last evaluated 2025-12-23.

Conditions:
Hereditary cancer-predisposing syndrome. Also called: Tumor predisposition; Neoplastic Syndromes, Hereditary; Hereditary neoplastic syndrome; Hereditary Cancer Syndrome. Identifiers: Orphanet 140162, MedGen C0027672, MeSH D009386, MONDO:0015356.
Neurofibromatosis, type 2 (SWNV). Also called: NF2-Related Schwannomatosis; BILATERAL ACOUSTIC NEUROFIBROMATOSIS; SCHWANNOMATOSIS, VESTIBULAR. Identifiers: Orphanet 637, MedGen C0027832, MONDO:0007039, OMIM 101000. Disease mechanism: loss of function.

gnomAD v4.1: 1 of 1,614,170 alleles (0.000062%); highest among the groups gnomAD compares: Non-Finnish European, 0.000085%; no homozygotes.

Submissions (4):

Labcorp Genetics (formerly Invitae), Labcorp
Classification: Uncertain significance for Neurofibromatosis, type 2. Last evaluated: 2025-12-23. Review status: criteria provided, single submitter. Criteria: Invitae Variant Classification Sherloc (09022015). Collection method: clinical testing. Allele origin: germline.
Comment: This sequence change replaces asparagine, which is neutral and polar, with lysine, which is basic and polar, at codon 371 of the NF2 protein (p.Asn371Lys). This variant is not present in population databases (gnomAD no frequency). This variant has not been reported in the literature in individuals affected with NF2-related conditions. ClinVar contains an entry for this variant (Variation ID: 585001). Invitae Evidence Modeling of protein sequence and biophysical properties (such as structural, functional, and spatial information, amino acid conservation, physicochemical variation, residue mobility, and thermodynamic stability) indicates that this missense variant is not expected to disrupt NF2 protein function with a negative predictive value of 80%. In summary, the available evidence is currently insufficient to determine the role of this variant in disease. Therefore, it has been classified as a Variant of Uncertain Significance.

Ambry Genetics
Classification: Uncertain significance for Hereditary cancer-predisposing syndrome. Last evaluated: 2024-10-10. Review status: criteria provided, single submitter. Criteria: Ambry Variant Classification Scheme 2023. Collection method: clinical testing. Allele origin: germline.
Comment: The p.N371K variant (also known as c.1113C>G), located in coding exon 11 of the NF2 gene, results from a C to G substitution at nucleotide position 1113. The asparagine at codon 371 is replaced by lysine, an amino acid with similar properties. This amino acid position is highly conserved in available vertebrate species. In addition, this alteration is predicted to be tolerated by in silico analysis. Based on the available evidence, the clinical significance of this variant remains unclear.

GeneDx
Classification: Uncertain significance. Last evaluated: 2023-07-18. Review status: criteria provided, single submitter. Criteria: GeneDx Variant Classification Process June 2021. Collection method: clinical testing. Allele origin: germline. Affected: yes.
Comment: Not observed at significant frequency in large population cohorts (gnomAD); In silico analysis supports that this missense variant has a deleterious effect on protein structure/function; Observed in a patient with breast cancer (Guindalini et al., 2022); This variant is associated with the following publications: (PMID: 35264596)

Mendelics
Classification: Uncertain significance for Neurofibromatosis, type 2. Last evaluated: 2018-07-02. Review status: criteria provided, single submitter. Criteria: Mendelics Assertion Criteria 2017. Collection method: clinical testing. Allele origin: unknown.

NM_000268.4(NF2):c.1113C>G (p.Asn371Lys)

Gene: NF2 (NF2, moesin-ezrin-radixin like (MERLIN) tumor suppressor; plus strand). Cytogenetic location: 22q12.2.
Variant type: single nucleotide variant.
Coding change: c.1113C>G on transcript NM_000268.4 (MANE Select); coding-DNA position 1113, C replaced by G.
Protein change: p.Asn371Lys; replaces asparagine 371 with lysine.
Molecular consequence: missense variant. On other transcripts: non-coding transcript variant (1), intron variant (1).
Genome position (GRCh38, 1-based): chr22:29,671,939, C>G. VCF-style: chr22-29671939-C-G. GRCh37 (hg19) VCF-style: chr22-30067928-C-G.
Other names: c.1113C>G (NM_000268.3); c.1113C>G, p.Asn371Lys (NM_016418.5, NM_181825.3, NM_181832.3); c.987C>G, p.Asn329Lys (NM_181828.3); c.990C>G, p.Asn330Lys (NM_181829.3); c.864C>G, p.Asn288Lys (NM_181830.3, NM_181831.3); c.448-22813C>G (NM_181833.3); short protein forms N371K, N288K, N329K, N330K.
Identifiers: ClinVar variation 585001 (VCV000585001.9), dbSNP rs142459414, ClinGen allele CA411147199.